The following is an entry in ClinVar:

ClinVar aggregate classification (germline): Uncertain significance (1 of 4 stars; one submission).

Conditions:
Hereditary hemochromatosis (HFE). Identifiers: MedGen C0392514, MONDO:0006507. Disease mechanism: loss of function.

Submission:

Labcorp Genetics (formerly Invitae), Labcorp
Classification: Uncertain significance for Hereditary hemochromatosis. Last evaluated: 2022-07-21. Review status: criteria provided, single submitter. Criteria: Invitae Variant Classification Sherloc (09022015). Collection method: clinical testing. Allele origin: germline.
Comment: This sequence change replaces leucine, which is neutral and non-polar, with phenylalanine, which is neutral and non-polar, at codon 664 of the TFR2 protein (p.Leu664Phe). This variant is not present in population databases (gnomAD no frequency). This variant has not been reported in the literature in individuals affected with TFR2-related conditions. Algorithms developed to predict the effect of missense changes on protein structure and function are either unavailable or do not agree on the potential impact of this missense change (SIFT: "Deleterious"; PolyPhen-2: "Probably Damaging"; Align-GVGD: "Class C15"). In summary, the available evidence is currently insufficient to determine the role of this variant in disease. Therefore, it has been classified as a Variant of Uncertain Significance.

NM_003227.4(TFR2):c.1990C>T (p.Leu664Phe)

Gene: TFR2 (transferrin receptor 2; minus strand). Cytogenetic location: 7q22.1.
Variant type: single nucleotide variant.
Coding change: c.1990C>T on transcript NM_003227.4 (MANE Select); coding-DNA position 1990, C replaced by T.
Protein change: p.Leu664Phe; replaces leucine 664 with phenylalanine.
Molecular consequence: missense variant.
Genome position (GRCh38, 1-based): chr7:100,627,269, G>A on the plus strand (C>T on the coding strand, the complement: TFR2 is on the minus strand). VCF-style: chr7-100627269-G-A. GRCh37 (hg19) VCF-style: chr7-100224892-G-A.
Other names: c.1477C>T, p.Leu493Phe (NM_001206855.3); short protein forms L493F, L664F.
Identifiers: ClinVar variation 1721650 (VCV001721650.3), dbSNP rs1803288651, ClinGen allele CA368524175.
Genomic context (GRCh38, chr7:100,627,269, plus strand): 5'-GCCTGGGCAGTGCCTCCCACTCCCAGAGACCAAGAGCGGGGTGGGCCTCTTGAACCTTGA[G>A]GTCCCCAGAGAACTCGTTGAGGTTCCCGATGTGCCTGAGGACGACGTCCCCGTAGCGGCC-3'
Protein context (NP_003218.2, residues 654-674): IGNLNEFSGD[Leu664Phe]KARGLTLQWV